The following is an entry in ClinVar:

NM_177438.3(DICER1):c.1555A>G (p.Thr519Ala)

Gene: DICER1 (dicer 1, ribonuclease III; minus strand). Cytogenetic location: 14q32.13.
Variant type: single nucleotide variant.
Coding change: c.1555A>G on transcript NM_177438.3 (MANE Select); coding-DNA position 1555, A replaced by G.
Protein change: p.Thr519Ala; replaces threonine 519 with alanine.
Molecular consequence: missense variant.
Genome position (GRCh38, 1-based): chr14:95,116,650, T>C on the plus strand (A>G on the coding strand, the complement: DICER1 is on the minus strand). VCF-style: chr14-95116650-T-C. GRCh37 (hg19) VCF-style: chr14-95582987-T-C.
Other names: c.1555A>G, p.Thr519Ala (NM_001195573.1, NM_001271282.3, NM_001291628.2 and 1 more transcripts); short protein forms T519A.
Identifiers: ClinVar variation 573931 (VCV000573931.11), dbSNP rs1566790479, ClinGen allele CA390885087.

ClinVar aggregate classification (germline): Uncertain significance. Review status: criteria provided, multiple submitters, no conflicts (2 of 4 stars). 2 submissions from 2 submitters: Uncertain significance (2). Last evaluated 2026-04-10.

Conditions:
DICER1-related tumor predisposition. Also called: DICER1 syndrome; DICER1-related pleuropulmonary blastoma cancer predisposition syndrome. Identifiers: Orphanet 284343, MedGen C3839822, MONDO:0100216.
Hereditary cancer-predisposing syndrome. Also called: Tumor predisposition; Hereditary Cancer Syndrome; Neoplastic Syndromes, Hereditary; Hereditary neoplastic syndrome. Identifiers: Orphanet 140162, MedGen C0027672, MeSH D009386, MONDO:0015356.

Allele frequency attached by ClinVar (database versions not stated): TOPMed below 0.00001.

Submissions (2):

Ambry Genetics
Classification: Uncertain significance for Hereditary cancer-predisposing syndrome. Last evaluated: 2026-04-10. Review status: criteria provided, single submitter. Criteria: Ambry Variant Classification Scheme 2023. Collection method: clinical testing. Allele origin: germline.
Comment: The p.T519A variant (also known as c.1555A>G), located in coding exon 9 of the DICER1 gene, results from an A to G substitution at nucleotide position 1555. The threonine at codon 519 is replaced by alanine, an amino acid with similar properties. This amino acid position is conserved. In addition, this alteration is predicted to be deleterious by in silico analysis. Based on the available evidence, the clinical significance of this variant remains unclear.

Labcorp Genetics (formerly Invitae), Labcorp
Classification: Uncertain significance for DICER1-related tumor predisposition. Last evaluated: 2018-02-27. Review status: criteria provided, single submitter. Criteria: Invitae Variant Classification Sherloc (09022015). Collection method: clinical testing. Allele origin: germline.
Comment: Algorithms developed to predict the effect of missense changes on protein structure and function (SIFT, PolyPhen-2, Align-GVGD) all suggest that this variant is likely to be disruptive, but these predictions have not been confirmed by published functional studies and their clinical significance is uncertain. This variant has not been reported in the literature in individuals with DICER1-related disease. This variant is not present in population databases (ExAC no frequency). This sequence change replaces threonine with alanine at codon 519 of the DICER1 protein (p.Thr519Ala). The threonine residue is highly conserved and there is a small physicochemical difference between threonine and alanine. Algorithms developed to predict the effect of sequence changes on RNA splicing suggest that this variant may create or strengthen a splice site, but this prediction has not been confirmed by published transcriptional studies. In summary, the available evidence is currently insufficient to determine the role of this variant in disease. Therefore, it has been classified as a Variant of Uncertain Significance.